The following is an entry in ClinVar:

NM_000080.4(CHRNE):c.628T>C (p.Cys210Arg)

Genes: C17orf107 (chromosome 17 open reading frame 107; plus strand), CHRNE (cholinergic receptor nicotinic epsilon subunit; minus strand). Cytogenetic location: 17p13.2.
Variant type: single nucleotide variant.
Coding change: c.628T>C on transcript NM_000080.4 (MANE Select); coding-DNA position 628, T replaced by C.
Protein change: p.Cys210Arg; replaces cysteine 210 with arginine.
Molecular consequence: missense variant. On other transcripts: 3 prime UTR variant (1).
Genome position (GRCh38, 1-based): chr17:4,901,164, A>G on the plus strand (T>C on the coding strand, the complement: CHRNE is on the minus strand). VCF-style: chr17-4901164-A-G. GRCh37 (hg19) VCF-style: chr17-4804459-A-G.
Other names: c.*631A>G (NM_001145536.2); short protein forms C210R.
Identifiers: ClinVar variation 1300299 (VCV001300299.6), dbSNP rs2151097468, ClinGen allele CA397305244.

ClinVar aggregate classification (germline): Uncertain significance. Review status: criteria provided, multiple submitters, no conflicts (2 of 4 stars). 2 submissions from 2 submitters: Uncertain significance (2). Last evaluated 2022-03-01.

Conditions:
Congenital myasthenic syndrome 4A. Also called: Myasthenic syndrome, congenital, 4a, slow-channel; CONGENITAL MYASTHENIC SYNDROME TYPE Ia1; MYASTHENIC SYNDROME, CONGENITAL, 4A, SLOW-CHANNEL, AUTOSOMAL RECESSIVE. Identifiers: Orphanet 590, MedGen C4225413, MONDO:0011600, OMIM 605809.

Submissions (2):

Labcorp Genetics (formerly Invitae), Labcorp
Classification: Uncertain significance for Congenital myasthenic syndrome 4A. Last evaluated: 2022-03-01. Review status: criteria provided, single submitter. Criteria: Invitae Variant Classification Sherloc (09022015). Collection method: clinical testing. Allele origin: germline.
Comment: This sequence change replaces cysteine, which is neutral and slightly polar, with arginine, which is basic and polar, at codon 210 of the CHRNE protein (p.Cys210Arg). In summary, the available evidence is currently insufficient to determine the role of this variant in disease. Therefore, it has been classified as a Variant of Uncertain Significance. Advanced modeling of protein sequence and biophysical properties (such as structural, functional, and spatial information, amino acid conservation, physicochemical variation, residue mobility, and thermodynamic stability) performed at Invitae indicates that this missense variant is not expected to disrupt CHRNE protein function. ClinVar contains an entry for this variant (Variation ID: 1300299). This variant has not been reported in the literature in individuals affected with CHRNE-related conditions. This variant is not present in population databases (gnomAD no frequency).

GeneDx
Classification: Uncertain significance. Last evaluated: 2019-09-20. Review status: criteria provided, single submitter. Criteria: GeneDx Variant Classification Process June 2021. Collection method: clinical testing. Allele origin: germline. Affected: yes.
Comment: Not observed in large population cohorts (Lek et al., 2016); Has not been previously published as pathogenic or benign to our knowledge